The following is an entry in ClinVar:

NM_001009944.3(PKD1):c.3425_3428del (p.Arg1142fs)

Gene: PKD1 (polycystin 1, transient receptor potential channel interacting; minus strand). Cytogenetic location: 16p13.3.
Variant type: Microsatellite.
Coding change: c.3425_3428del on transcript NM_001009944.3 (MANE Select); coding-DNA positions 3425 to 3428, 4 bases deleted (GGCC; older notation c.3425_3428delGGCC).
Protein change: p.Arg1142fs; shifts the reading frame from arginine 1142.
Molecular consequence: frameshift variant.
Genome position (GRCh38, 1-based): chr16:2,111,739-2,111,742, GGCC deleted on the plus strand (GGCC on the coding strand, the reverse complement: PKD1 is on the minus strand); deleting any 4 consecutive bases within chr16:2,111,739-2,111,750 gives the same sequence; the c. name uses the placement nearest the transcript's 3' end. VCF-style (leftmost placement, unchanged base first): chr16-2111738-GGGCC-G. GRCh37 (hg19) VCF-style: chr16-2161739-GGGCC-G.
Other names: c.3425_3428del, p.Arg1142fs (NM_000296.4); short protein forms R1142fs.
Identifiers: ClinVar variation 4081979 (VCV004081979.2).
Genomic context (GRCh38, chr16:2,111,738, plus strand): 5'-GAAGTCCCACGTGTAAAGAACACCCCCAGGCGAGGGCAGCGGGTGCGGGTAGAAGGTGAC[GGGCC>G]GGCCGGCCACCAGGACGCCGTCACTCACACCCACAGCCACGGAGGGCAGGGAGGCGCGCA-3'

ClinVar aggregate classification (germline): Pathogenic. Review status: criteria provided, single submitter (1 of 4 stars). 2 submissions from 2 submitters: Pathogenic (1). 1 of the submissions does not count toward it.

Conditions:
Polycystic kidney disease, adult type (PKD1). Also called: Polycystic Kidney, Autosomal Dominant; POLYCYSTIC KIDNEY DISEASE, ADULT, TYPE I; Polycystic Kidney Disease 1, Autosomal Dominant; Polycystic kidney disease 1; Polycystic kidney disease 1, severe; POLYCYSTIC KIDNEY DISEASE 1 WITH OR WITHOUT POLYCYSTIC LIVER DISEASE. Identifiers: MedGen C3149841, MONDO:0008263, OMIM 173900.

Submissions (2):

Juno Genomics, Hangzhou Juno Genomics, Inc
Classification: Pathogenic for Polycystic kidney disease, adult type. Review status: criteria provided, single submitter. Criteria: ACMG Guidelines, 2015. Collection method: clinical testing. Allele origin: germline. Affected: yes.
Comment: Absent from controls (or at extremely low frequency if recessive) in Genome Aggregation Database.;Null variant in a gene where loss of function (LOF) is a known mechanism of disease.;The prevalence of the variant in affected individuals is significantly increased compared to the prevalence in controls.;Co-segregation with disease in multiple affected family members.

Clinical Genetics Laboratory, University Hospital Schleswig-Holstein
Classification: Pathogenic for Polycystic kidney disease, adult type. Last evaluated: 2024-07-17. Review status: no assertion criteria provided. Collection method: clinical testing. Allele origin: germline. Affected: yes. Not counted in ClinVar's aggregate classification.